The following is an entry in ClinVar:

NM_206933.4(USH2A):c.12289A>G (p.Ile4097Val)

Gene: USH2A (usherin; minus strand). Cytogenetic location: 1q41.
Variant type: single nucleotide variant.
Coding change: c.12289A>G on transcript NM_206933.4 (MANE Select); coding-DNA position 12289, A replaced by G.
Protein change: p.Ile4097Val; replaces isoleucine 4097 with valine.
Molecular consequence: missense variant.
Genome position (GRCh38, 1-based): chr1:215,680,154, T>C on the plus strand (A>G on the coding strand, the complement: USH2A is on the minus strand). VCF-style: chr1-215680154-T-C. GRCh37 (hg19) VCF-style: chr1-215853496-T-C.
Other names: short protein forms I4097V.
Identifiers: ClinVar variation 1717707 (VCV001717707.3), dbSNP rs2464914291, ClinGen allele CA344815755.

ClinVar aggregate classification (germline): Uncertain significance (1 of 4 stars; one submission).

Submission:

Labcorp Genetics (formerly Invitae), Labcorp
Classification: Uncertain significance. Last evaluated: 2022-08-22. Review status: criteria provided, single submitter. Criteria: Invitae Variant Classification Sherloc (09022015). Collection method: clinical testing. Allele origin: germline.
Comment: This variant has not been reported in the literature in individuals affected with USH2A-related conditions. This variant is not present in population databases (gnomAD no frequency). This sequence change replaces isoleucine, which is neutral and non-polar, with valine, which is neutral and non-polar, at codon 4097 of the USH2A protein (p.Ile4097Val). Algorithms developed to predict the effect of missense changes on protein structure and function are either unavailable or do not agree on the potential impact of this missense change (SIFT: "Deleterious"; PolyPhen-2: "Possibly Damaging"; Align-GVGD: "Class C0"). In summary, the available evidence is currently insufficient to determine the role of this variant in disease. Therefore, it has been classified as a Variant of Uncertain Significance.